The following is an entry in ClinVar:

NM_001035.3(RYR2):c.-15A>G

Gene: RYR2 (ryanodine receptor 2; plus strand). Cytogenetic location: 1q43.
Variant type: single nucleotide variant.
Coding change: c.-15A>G on transcript NM_001035.3 (MANE Select); 15 bases upstream of the start codon, A replaced by G.
Molecular consequence: 5 prime UTR variant.
Genome position (GRCh38, 1-based): chr1:237,042,507, A>G. VCF-style: chr1-237042507-A-G. GRCh37 (hg19) VCF-style: chr1-237205807-A-G.
Identifiers: ClinVar variation 874067 (VCV000874067.10), dbSNP rs772056240, ClinGen allele CA085828.
Genomic context (GRCh38, chr1:237,042,507, plus strand): 5'-GCAGCGCCAGGGGCCGCCGCCGCCGCCGAGCTCCGCGGGGCTCGGGAGCCGGCCCCGGCG[A>G]GGAGGCGCGGAACCATGGCCGATGGGGGCGAGGGCGAAGACGAGATCCAGTTCCTGCGAA-3'

ClinVar aggregate classification (germline): Uncertain significance. Review status: criteria provided, multiple submitters, no conflicts (2 of 4 stars). 4 submissions from 3 submitters: Uncertain significance (4). Last evaluated 2023-12-13.

Conditions:
Catecholaminergic polymorphic ventricular tachycardia (CVPT). Also called: Catecholamine-induced polymorphic ventricular tachycardia. Identifiers: Orphanet 3286, MedGen C5574922, MONDO:0017990.
Catecholaminergic polymorphic ventricular tachycardia 1. Also called: RYR2-Related Catecholaminergic Polymorphic Ventricular Tachycardia; VENTRICULAR TACHYCARDIA, CATECHOLAMINERGIC POLYMORPHIC, 1, WITH OR WITHOUT ATRIAL DYSFUNCTION AND/OR DILATED CARDIOMYOPATHY; VENTRICULAR TACHYCARDIA, STRESS-INDUCED POLYMORPHIC 1. Identifiers: Orphanet 3286, MedGen C1631597, MONDO:0011484, OMIM 604772.
Arrhythmogenic right ventricular dysplasia 2. Identifiers: MedGen C1832931.
Cardiomyopathy (CMYO). Also called: Cardiomyopathies. Identifiers: Orphanet 167848, MedGen C0878544, MONDO:0004994, HP:0001638. Inheritance: Various modes of inheritance.

Allele frequency attached by ClinVar (database versions not stated): ExAC below 0.00001; gnomAD 0.00001; TOPMed 0.00002; gnomAD exomes 0.00010; 1000 Genomes Project 30x 0.00016.
gnomAD v4.1: 109 of 1,249,748 alleles (0.0087%); highest among the groups gnomAD compares: East Asian, 0.34%; no homozygotes.

Submissions (4):

All of Us Research Program, National Institutes of Health
Classification: Uncertain significance for Catecholaminergic polymorphic ventricular tachycardia. Last evaluated: 2023-12-13. Review status: criteria provided, single submitter. Criteria: ACMG Guidelines, 2015. Collection method: clinical testing. Allele origin: germline. Inheritance: Autosomal dominant inheritance. Observed: 5 variant alleles, 5 heterozygotes.
Comment: This variant change 1 nucleotide in the 5' untranslated region of the RYR2 gene. To our knowledge, functional studies have not been reported for this variant. This variant has not been reported in individuals affected with cardiovascular disorders in the literature. This variant has not been identified in the general population by the Genome Aggregation Database (gnomAD). The available evidence is insufficient to determine the role of this variant in disease conclusively. Therefore, this variant is classified as a Variant of Uncertain Significance.

This study involves interpretation of variants in research participants for the purpose of population health screening. Participant phenotype was not available at the time of variant classification. Additional details can be found in publication PMID: 35346344, PMCID: PMC8962531

Color Diagnostics, LLC DBA Color Health
Classification: Uncertain significance for Cardiomyopathy. Last evaluated: 2023-11-17. Review status: criteria provided, single submitter. Criteria: ACMG Guidelines, 2015. Collection method: clinical testing. Allele origin: germline.
Comment: This variant change 1 nucleotide in the 5' untranslated region of the RYR2 gene. To our knowledge, functional studies have not been reported for this variant. This variant has not been reported in individuals affected with cardiovascular disorders in the literature. This variant has not been identified in the general population by the Genome Aggregation Database (gnomAD). The available evidence is insufficient to determine the role of this variant in disease conclusively. Therefore, this variant is classified as a Variant of Uncertain Significance.

Illumina Laboratory Services, Illumina
Classification: Uncertain significance for Catecholaminergic polymorphic ventricular tachycardia 1. Last evaluated: 2018-01-13. Review status: criteria provided, single submitter. Criteria: ICSL Variant Classification Criteria 13 December 2019. Collection method: clinical testing. Allele origin: germline.

Illumina Laboratory Services, Illumina
Classification: Uncertain significance for Catecholaminergic polymorphic ventricular tachycardia 1. Last evaluated: 2018-01-13. Review status: criteria provided, single submitter. Criteria: ICSL Variant Classification Criteria 13 December 2019. Collection method: clinical testing. Allele origin: germline.